The following is an entry in ClinVar:

NM_001492.6(GDF1):c.1016C>A (p.Pro339His)

Genes: CERS1 (ceramide synthase 1; minus strand), GDF1 (growth differentiation factor 1; minus strand). Cytogenetic location: 19p13.11.
Variant type: single nucleotide variant.
Coding change: c.1016C>A on transcript NM_001492.6 (MANE Select); coding-DNA position 1016, C replaced by A.
Protein change: p.Pro339His; replaces proline 339 with histidine.
Molecular consequence: missense variant. On other transcripts: 3 prime UTR variant (2).
Genome position (GRCh38, 1-based): chr19:18,868,700, G>T on the plus strand (C>A on the coding strand, the complement: GDF1 is on the minus strand). VCF-style: chr19-18868700-G-T. GRCh37 (hg19) VCF-style: chr19-18979509-G-T.
Other names: c.*1877C>A (NM_001387440.1); c.*1285C>A (NM_021267.5); c.1016C>A, p.Pro339His (NM_001387438.1); short protein forms P339H.
Identifiers: ClinVar variation 1380829 (VCV001380829.8), dbSNP rs2145984292, ClinGen allele CA404861889.

ClinVar aggregate classification (germline): Uncertain significance (1 of 4 stars; one submission).

Submission:

Labcorp Genetics (formerly Invitae), Labcorp
Classification: Uncertain significance. Last evaluated: 2020-12-05. Review status: criteria provided, single submitter. Criteria: Invitae Variant Classification Sherloc (09022015). Collection method: clinical testing. Allele origin: germline.
Comment: In summary, the available evidence is currently insufficient to determine the role of this variant in disease. Therefore, it has been classified as a Variant of Uncertain Significance. Advanced modeling of protein sequence and biophysical properties (such as structural, functional, and spatial information, amino acid conservation, physicochemical variation, residue mobility, and thermodynamic stability) performed at Invitae indicates that this missense variant is expected to disrupt GDF1 protein function. This variant has not been reported in the literature in individuals with GDF1-related conditions. This variant is not present in population databases (ExAC no frequency). This sequence change replaces proline with histidine at codon 339 of the GDF1 protein (p.Pro339His). The proline residue is highly conserved and there is a moderate physicochemical difference between proline and histidine.